The following is an entry in ClinVar:

ClinVar aggregate classification (germline): Likely benign (1 of 4 stars; one submission).

Conditions:
Maturity-onset diabetes of the young type 6 (MODY6). Identifiers: Orphanet 552, MedGen C1853371, MONDO:0011668, OMIM 606394.

Allele frequency attached by ClinVar (database versions not stated): 1000 Genomes Project 30x 0.00109; 1000 Genomes Project 0.00120; TOPMed 0.00387; gnomAD 0.00389 and 0.00423.

Submission:

Illumina Laboratory Services, Illumina
Classification: Likely benign for Maturity-onset diabetes of the young type 6. Last evaluated: 2018-01-12. Review status: criteria provided, single submitter. Criteria: ICSL Variant Classification Criteria 13 December 2019. Collection method: clinical testing. Allele origin: germline.
Comment: This variant was observed in the ICSL laboratory as part of a predisposition screen in an ostensibly healthy population. It had not been previously curated by ICSL or reported in the Human Gene Mutation Database (HGMD: prior to June 1st, 2018), and was therefore a candidate for classification through an automated scoring system. Utilizing variant allele frequency, disease prevalence and penetrance estimates, and inheritance mode, an automated score was calculated to assess if this variant is too frequent to cause the disease. Based on the score and internal cut-off values, a variant classified as likely benign is not then subjected to further curation. The score for this variant resulted in a classification of likely benign for this disease.

NM_002500.5(NEUROD1):c.*719G>A

Gene: NEUROD1 (neuronal differentiation 1; minus strand). Cytogenetic location: 2q31.3.
Variant type: single nucleotide variant.
Coding change: c.*719G>A on transcript NM_002500.5 (MANE Select); 719 bases downstream of the stop codon, G replaced by A.
Molecular consequence: 3 prime UTR variant.
Genome position (GRCh38, 1-based): chr2:181,677,071, C>T on the plus strand (G>A on the coding strand, the complement: NEUROD1 is on the minus strand). VCF-style: chr2-181677071-C-T. GRCh37 (hg19) VCF-style: chr2-182541798-C-T.
Identifiers: ClinVar variation 898927 (VCV000898927.4), dbSNP rs184299700, ClinGen allele CA62111333.
Genomic context (GRCh38, chr2:181,677,071, plus strand): 5'-TGTATCTCTTAATTTTTTCTTCTCTTGAAAATTATGATTCTGGTTTTTATTTTAGGGAGA[C>T]GGAAAGACTTTAAAGTGAAATGAATTGCTCAAATTGTGCAATTTTTTTTTTTTTTTTTTT-3'